The following is an entry in ClinVar:

NM_002528.7(NTHL1):c.453_454delinsTT (p.Thr152Ser)

Gene: NTHL1 (nth like DNA glycosylase 1; minus strand). Cytogenetic location: 16p13.3.
Variant type: Indel.
Coding change: c.453_454delinsTT on transcript NM_002528.7 (MANE Select); coding-DNA positions 453 to 454, GA replaced by TT.
Protein change: p.Thr152Ser; replaces threonine 152 with serine.
Molecular consequence: missense variant. On other transcripts: intron variant (1).
Genome position (GRCh38, 1-based): chr16:2,044,701-2,044,702, TC replaced by AA on the plus strand (GA replaced by TT on the coding strand, the reverse complement: NTHL1 is on the minus strand). VCF-style: chr16-2044701-TC-AA. GRCh37 (hg19) VCF-style: chr16-2094702-TC-AA.
Other names: c.123_124delinsTT, p.Thr42Ser (NM_001318194.2); c.355-976_355-975delinsTT (NM_001318193.2); short protein forms T42S, T152S.
Identifiers: ClinVar variation 3881345 (VCV003881345.1).
Genomic context (GRCh38, chr16:2,044,701, plus strand): 5'-CGACGGGGTAGATGAGCTTGCCCAGCGTGGCATCATCTGTCTGCAGGATGCTGTCCACCG[TC>AA]AGGCCCCGCGCCCGCAGTCGCTGCATGGCGCCCGCCGTCACCTGGTCTTTGGTTTGGCTG-3'
Protein context (NP_002519.2, residues 142-162): AMQRLRARGL[Thr152Ser]VDSILQTDDA

ClinVar aggregate classification (germline): Uncertain significance (1 of 4 stars; one submission).

Conditions:
Hereditary cancer-predisposing syndrome. Also called: Tumor predisposition; Neoplastic Syndromes, Hereditary; Hereditary Cancer Syndrome; Hereditary neoplastic syndrome. Identifiers: Orphanet 140162, MedGen C0027672, MeSH D009386, MONDO:0015356.

Submission:

Ambry Genetics
Classification: Uncertain significance for Hereditary cancer-predisposing syndrome. Last evaluated: 2024-12-11. Review status: criteria provided, single submitter. Criteria: Ambry Variant Classification Scheme 2023. Collection method: clinical testing. Allele origin: germline.
Comment: The c.477_478delGAinsTT variant (also known as p.T160S), located in coding exon 3 of the NTHL1 gene, results from an in-frame deletion of GA and insertion of TT at nucleotide positions 477 to 478. This results in the substitution of the threonine residue for a serine residue at codon 160, an amino acid with similar properties. This amino acid position is well conserved in available vertebrate species; however, serine is the reference amino acid in other vertebrate species. In addition, this alteration is predicted to be neutral by in silico analysis (Choi Y et al. PLoS ONE. 2012; 7(10):e46688). Based on the available evidence, the clinical significance of this variant remains unclear.